The following is an entry in ClinVar:

NM_014714.4(IFT140):c.1667A>G (p.His556Arg)

Gene: IFT140 (intraflagellar transport 140; minus strand). Cytogenetic location: 16p13.3.
Variant type: single nucleotide variant.
Coding change: c.1667A>G on transcript NM_014714.4 (MANE Select); coding-DNA position 1667, A replaced by G.
Protein change: p.His556Arg; replaces histidine 556 with arginine.
Molecular consequence: missense variant.
Genome position (GRCh38, 1-based): chr16:1,568,320, T>C on the plus strand (A>G on the coding strand, the complement: IFT140 is on the minus strand). VCF-style: chr16-1568320-T-C. GRCh37 (hg19) VCF-style: chr16-1618321-T-C.
Other names: short protein forms H556R.
Identifiers: ClinVar variation 287867 (VCV000287867.18), dbSNP rs137925718, ClinGen allele CA7814179.

ClinVar aggregate classification (germline): Conflicting classifications of pathogenicity. Review status: criteria provided, conflicting classifications (1 of 4 stars). 4 submissions from 4 submitters: Uncertain significance (1); Benign (1); Likely benign (1). 1 of the submissions does not count toward it. Last evaluated 2026-01-26.

Conditions:
Saldino-Mainzer syndrome (SRTD9). Also called: SHORT-RIB THORACIC DYSPLASIA 9 WITHOUT POLYDACTYLY; short-rib thoracic dysplasia 9 with or without polydactyly; CONORENAL SYNDROME; Renal dysplasia, retinal pigmentary dystrophy, cerebellar ataxia and skeletal dysplasia. Identifiers: Orphanet 140969, MedGen C1849437, MONDO:0009964, OMIM 266920.
IFT140-related disorder. Also called: IFT140-related condition.

Allele frequency attached by ClinVar (database versions not stated): gnomAD exomes 0.00008 and 0.00021; ExAC 0.00026; 1000 Genomes Project 0.00060; 1000 Genomes Project 30x 0.00062; gnomAD 0.00066 and 0.00073; TOPMed 0.00083; ESP Exome Variant Server 0.00092.
gnomAD v4.1: 227 of 1,613,690 alleles (0.014%); highest among the groups gnomAD compares: African/African-American, 0.27%; 3 homozygotes.

Submissions (4):

Labcorp Genetics (formerly Invitae), Labcorp
Classification: Benign for Saldino-Mainzer syndrome. Last evaluated: 2026-01-26. Review status: criteria provided, single submitter. Criteria: Invitae Variant Classification Sherloc (09022015). Collection method: clinical testing. Allele origin: germline.

Blueprint Genetics
Classification: Likely benign. Last evaluated: 2024-10-04. Review status: criteria provided, single submitter. Criteria: ACMG Guidelines, 2015. Collection method: clinical testing. Allele origin: germline.

Eurofins Ntd Llc (ga)
Classification: Uncertain significance. Last evaluated: 2016-05-02. Review status: criteria provided, single submitter. Criteria: EGL Classification Definitions 2015. Collection method: clinical testing. Allele origin: germline. Observed: 2 variant alleles, 2 heterozygotes.

PreventionGenetics, part of Exact Sciences
Classification: Likely benign for IFT140-related condition. Last evaluated: 2023-03-22. Review status: no assertion criteria provided. Collection method: clinical testing. Allele origin: germline. Not counted in ClinVar's aggregate classification.
Comment: This variant is classified as likely benign based on ACMG/AMP sequence variant interpretation guidelines (Richards et al. 2015 PMID: 25741868, with internal and published modifications).